The following is an entry in ClinVar:

NM_030653.4(DDX11):c.1763-5del

Gene: DDX11 (DEAD/H-box helicase 11; plus strand). Cytogenetic location: 12p11.21.
Variant type: Deletion.
Coding change: c.1763-5del on transcript NM_030653.4 (MANE Select); 5 bases into the intron before coding-DNA position 1763, one base deleted (T; older notation c.1763-5delT).
Molecular consequence: intron variant.
Genome position (GRCh38, 1-based): chr12:31,097,880, T deleted; the last of 5 consecutive T bases (chr12:31,097,876-31,097,880); deleting any one gives the same sequence. VCF-style (leftmost placement, unchanged base first): chr12-31097875-GT-G. GRCh37 (hg19) VCF-style: chr12-31250809-GT-G.
Other names: c.1763-5del (NM_001413693.1, NM_152438.2, NM_004399.3 and 5 more transcripts); c.902-5del (NM_001413705.1, NM_001413704.1); c.797-5del (NM_001413706.1); c.1676-5del (NM_001413700.1); c.1235-5del (NM_001413702.1, NM_001413703.1); c.1685-5del (NM_001413697.1, NM_001413699.1, NM_001257145.2 and 1 more transcripts); c.1763-5delT (NM_030653.4).
Identifiers: ClinVar variation 4535693 (VCV004535693.1).

ClinVar aggregate classification (germline): Likely benign (1 of 4 stars; one submission).

Submission:

Women's Health and Genetics/Laboratory Corporation of America, LabCorp
Classification: Likely benign. Last evaluated: 2025-09-05. Review status: criteria provided, single submitter. Criteria: LabCorp Variant Classification Summary - May 2015. Collection method: clinical testing. Allele origin: germline.
Comment: Variant summary: DDX11 c.1763-5delT alters a nucleotide located at a position not widely known to affect splicing. Consensus agreement among computation tools predict no significant impact on normal splicing. However, these predictions have yet to be confirmed by functional studies. The variant was absent in 251442 control chromosomes. The available data on variant occurrences in the general population are insufficient to allow any conclusion about variant significance. To our knowledge, no occurrence of c.1763-5delT in individuals affected with DDX11-related conditions and no experimental evidence demonstrating its impact on protein function have been reported. No submitters have cited clinical-significance assessments for this variant to ClinVar. Based on the evidence outlined above, the variant was classified as likely benign.